The following is an entry in ClinVar:

NM_000051.4(ATM):c.7210T>C (p.Tyr2404His)

Genes: ATM (ATM serine/threonine kinase; plus strand), C11orf65 (chromosome 11 open reading frame 65; minus strand). Cytogenetic location: 11q22.3.
Variant type: single nucleotide variant.
Coding change: c.7210T>C on transcript NM_000051.4 (MANE Select); coding-DNA position 7210, T replaced by C.
Protein change: p.Tyr2404His; replaces tyrosine 2404 with histidine.
Molecular consequence: missense variant. On other transcripts: intron variant (2).
Genome position (GRCh38, 1-based): chr11:108,329,141, T>C. VCF-style: chr11-108329141-T-C. GRCh37 (hg19) VCF-style: chr11-108199868-T-C.
Other names: c.7210T>C, p.Tyr2404His (NM_001351834.2); c.641-20070A>G (NM_001330368.2); c.*38+6079A>G (NM_001351110.2); short protein forms Y2404H.
Identifiers: ClinVar variation 2453989 (VCV002453989.5), dbSNP rs2136417860, ClinGen allele CA382559638.

ClinVar aggregate classification (germline): Uncertain significance. Review status: criteria provided, multiple submitters, no conflicts (2 of 4 stars). 2 submissions from 2 submitters: Uncertain significance (2). Last evaluated 2024-01-05.

Conditions:
Ataxia-telangiectasia syndrome (AT). Also called: Ataxia-telangiectasia, complementation group E; Ataxia telangiectasia (A-T); LOUIS-BAR SYNDROME; Cerebello-oculocutaneous telangiectasia; Immunodeficiency with ataxia telangiectasia; Ataxia-telangiectasia, complementation group D. Identifiers: Orphanet 100, MedGen C0004135, MONDO:0008840, OMIM 208900.
Hereditary cancer-predisposing syndrome. Also called: Tumor predisposition; Hereditary Cancer Syndrome; Hereditary neoplastic syndrome; Neoplastic Syndromes, Hereditary. Identifiers: Orphanet 140162, MedGen C0027672, MeSH D009386, MONDO:0015356.

Submissions (2):

Labcorp Genetics (formerly Invitae), Labcorp
Classification: Uncertain significance for Ataxia-telangiectasia syndrome. Last evaluated: 2024-01-05. Review status: criteria provided, single submitter. Criteria: Invitae Variant Classification Sherloc (09022015). Collection method: clinical testing. Allele origin: germline.
Comment: This sequence change replaces tyrosine, which is neutral and polar, with histidine, which is basic and polar, at codon 2404 of the ATM protein (p.Tyr2404His). This variant is not present in population databases (gnomAD no frequency). This variant has not been reported in the literature in individuals affected with ATM-related conditions. ClinVar contains an entry for this variant (Variation ID: 2453989). An algorithm developed to predict the effect of missense changes on protein structure and function (PolyPhen-2) suggests that this variant is likely to be disruptive. In summary, the available evidence is currently insufficient to determine the role of this variant in disease. Therefore, it has been classified as a Variant of Uncertain Significance.

Ambry Genetics
Classification: Uncertain significance for Hereditary cancer-predisposing syndrome. Last evaluated: 2023-02-24. Review status: criteria provided, single submitter. Criteria: Ambry Variant Classification Scheme 2023. Collection method: clinical testing. Allele origin: germline.
Comment: The p.Y2404H variant (also known as c.7210T>C), located in coding exon 48 of the ATM gene, results from a T to C substitution at nucleotide position 7210. The tyrosine at codon 2404 is replaced by histidine, an amino acid with similar properties. This amino acid position is conserved. In addition, this alteration is predicted to be deleterious by in silico analysis. Since supporting evidence is limited at this time, the clinical significance of this alteration remains unclear.